The following is an entry in ClinVar:

ClinVar aggregate classification (germline): Uncertain significance (1 of 4 stars; one submission).

gnomAD v4.1: 9 of 1,613,034 alleles (0.00056%); highest among the groups gnomAD compares: Non-Finnish European, 0.00076%; no homozygotes.

Submission:

Athena Diagnostics
Classification: Uncertain significance. Last evaluated: 2023-11-21. Review status: criteria provided, single submitter. Criteria: Athena Diagnostics Criteria. Collection method: clinical testing. Allele origin: unknown.
Comment: Available data are insufficient to determine the clinical significance of the variant at this time. The frequency of this variant in the general population is uninformative in assessment of its pathogenicity. Computational tools predict that this variant is not damaging.

Literature cited by the submitters: PubMed 23280630.

NM_014363.6(SACS):c.4064A>G (p.Asn1355Ser)

Gene: SACS (sacsin molecular chaperone; minus strand). Cytogenetic location: 13q12.12.
Variant type: single nucleotide variant.
Coding change: c.4064A>G on transcript NM_014363.6 (MANE Select); coding-DNA position 4064, A replaced by G.
Protein change: p.Asn1355Ser; replaces asparagine 1355 with serine.
Molecular consequence: missense variant.
Genome position (GRCh38, 1-based): chr13:23,339,812, T>C on the plus strand (A>G on the coding strand, the complement: SACS is on the minus strand). VCF-style: chr13-23339812-T-C. GRCh37 (hg19) VCF-style: chr13-23913951-T-C.
Other names: c.3623A>G, p.Asn1208Ser (NM_001278055.2); short protein forms N1355S, N1208S.
Identifiers: ClinVar variation 3571908 (VCV003571908.1).